The following is an entry in ClinVar:

ClinVar aggregate classification (germline): Uncertain significance (1 of 4 stars; one submission).

Conditions:
Asphyxiating thoracic dystrophy 5 (SRTD5). Also called: SHORT-RIB THORACIC DYSPLASIA 5 WITH OR WITHOUT POLYDACTYLY; SHORT-RIB THORACIC DYSPLASIA 5 WITHOUT POLYDACTYLY. Identifiers: Orphanet 474, MedGen C3280598, MONDO:0013717, OMIM 614376.
Senior-Loken syndrome 8 (SLSN8). Identifiers: Orphanet 3156, MedGen C4225376, MONDO:0014579, OMIM 616307.

Submission:

Labcorp Genetics (formerly Invitae), Labcorp
Classification: Uncertain significance for Senior-Loken syndrome 8; Asphyxiating thoracic dystrophy 5. Last evaluated: 2021-10-12. Review status: criteria provided, single submitter. Criteria: Invitae Variant Classification Sherloc (09022015). Collection method: clinical testing. Allele origin: germline.
Comment: This sequence change falls in intron 8 of the WDR19 gene. It does not directly change the encoded amino acid sequence of the WDR19 protein. It affects a nucleotide within the consensus splice site. This variant is not present in population databases (ExAC no frequency). This variant has not been reported in the literature in individuals affected with WDR19-related conditions. Variants that disrupt the consensus splice site are a relatively common cause of aberrant splicing (PMID: 17576681, 9536098). Algorithms developed to predict the effect of sequence changes on RNA splicing suggest that this variant may create or strengthen a splice site. In summary, the available evidence is currently insufficient to determine the role of this variant in disease. Therefore, it has been classified as a Variant of Uncertain Significance.

Literature cited by the submitters: PubMed 17576681; PubMed 9536098.

NM_025132.4(WDR19):c.716+4T>A

Gene: WDR19 (WD repeat domain 19; plus strand). Cytogenetic location: 4p14.
Variant type: single nucleotide variant.
Coding change: c.716+4T>A on transcript NM_025132.4 (MANE Select); 4 bases into the intron after coding-DNA position 716, T replaced by A.
Molecular consequence: intron variant.
Genome position (GRCh38, 1-based): chr4:39,205,270, T>A. VCF-style: chr4-39205270-T-A. GRCh37 (hg19) VCF-style: chr4-39206890-T-A.
Other names: c.236+4T>A (NM_001317924.2).
Identifiers: ClinVar variation 1420531 (VCV001420531.6), dbSNP rs2109300292, ClinGen allele CA2573137692.